The following is an entry in ClinVar:

NM_006915.3(RP2):c.102G>A (p.Lys34=)

Gene: RP2 (RP2 activator of ARL3 GTPase; plus strand). Cytogenetic location: Xp11.3.
Variant type: single nucleotide variant.
Coding change: c.102G>A on transcript NM_006915.3 (MANE Select); coding-DNA position 102, G replaced by A.
Protein change: p.Lys34=; no amino-acid change (lysine 34 retained).
Molecular consequence: synonymous variant.
Genome position (GRCh38, 1-based): chrX:46,837,202, G>A. VCF-style: chrX-46837202-G-A. GRCh37 (hg19) VCF-style: chrX-46696637-G-A.
Identifiers: ClinVar variation 427872 (VCV000427872.12), dbSNP rs1556313552, ClinGen allele CA516252066.

ClinVar aggregate classification (germline): Likely pathogenic. Review status: criteria provided, multiple submitters, no conflicts (2 of 4 stars). 3 submissions from 3 submitters: Likely pathogenic (2). 1 of the submissions does not count toward it. Last evaluated 2025-10-09.

Conditions:
Leber congenital amaurosis (LCA). Also called: Leber's amaurosis. Identifiers: Orphanet 65, MedGen C0339527, MeSH D057130, MONDO:0018998.
Retinitis pigmentosa 3. Also called: CHOROIDORETINAL DEGENERATION WITH RETINAL REFLEX IN HETEROZYGOUS WOMEN. Identifiers: Orphanet 791, MedGen C1845667, MONDO:0010227, OMIM 300029.

Submissions (3):

Labcorp Genetics (formerly Invitae), Labcorp
Classification: Likely pathogenic. Last evaluated: 2025-10-09. Review status: criteria provided, single submitter. Criteria: Invitae Variant Classification Sherloc (09022015). Collection method: clinical testing. Allele origin: germline.
Comment: This sequence change affects codon 34 of the RP2 mRNA. It is a 'silent' change, meaning that it does not change the encoded amino acid sequence of the RP2 protein. This variant also falls at the last nucleotide of exon 1, which is part of the consensus splice site for this exon. This variant is not present in population databases (gnomAD no frequency). This variant has been observed in individuals with autosomal dominant inherited retinal dystrophy (PMID: 28714225; internal data). ClinVar contains an entry for this variant (Variation ID: 427872). Variants that disrupt the consensus splice site are a relatively common cause of aberrant splicing (PMID: 17576681, 9536098). Algorithms developed to predict the effect of sequence changes on RNA splicing suggest that this variant may disrupt the consensus splice site. In summary, the currently available evidence indicates that the variant is pathogenic, but additional data are needed to prove that conclusively. Therefore, this variant has been classified as Likely Pathogenic.

Mendelics
Classification: Likely pathogenic for Retinitis pigmentosa 3. Last evaluated: 2019-05-28. Review status: criteria provided, single submitter. Criteria: Mendelics Assertion Criteria 2017. Collection method: clinical testing. Allele origin: unknown.

Rui Chen Lab, Baylor College of Medicine
Classification: Likely pathogenic for Leber congenital amaurosis. Last evaluated: 2017-05-09. Review status: no assertion criteria provided. Collection method: research. Allele origin: germline. Affected: yes. Not counted in ClinVar's aggregate classification.
Comment: An in vitrominigene system was used to confirm that the variant disrupts splicing

Literature cited by the submitters: PubMed 28714225 (cited by Labcorp Genetics (formerly Invitae), Labcorp); PubMed 17576681 (cited by Labcorp Genetics (formerly Invitae), Labcorp); PubMed 9536098 (cited by Labcorp Genetics (formerly Invitae), Labcorp).